The following is an entry in ClinVar:

NM_003242.6(TGFBR2):c.1255G>C (p.Val419Leu)

Gene: TGFBR2 (transforming growth factor beta receptor 2; plus strand). Cytogenetic location: 3p24.1.
Variant type: single nucleotide variant.
Coding change: c.1255G>C on transcript NM_003242.6 (MANE Select); coding-DNA position 1255, G replaced by C.
Protein change: p.Val419Leu; replaces valine 419 with leucine.
Molecular consequence: missense variant.
Genome position (GRCh38, 1-based): chr3:30,674,105, G>C. VCF-style: chr3-30674105-G-C. GRCh37 (hg19) VCF-style: chr3-30715597-G-C.
Other names: c.1330G>C, p.Val444Leu (NM_001024847.3); c.1438G>C, p.Val480Leu (NM_001407126.1); c.1363G>C, p.Val455Leu (NM_001407127.1); c.1282G>C, p.Val428Leu (NM_001407128.1); c.1258G>C, p.Val420Leu (NM_001407129.1); c.1255G>C, p.Val419Leu (NM_001407130.1); c.1150G>C, p.Val384Leu (NM_001407132.1, NM_001407133.1, NM_001407134.1 and 2 more transcripts); c.970G>C, p.Val324Leu (NM_001407137.1); and 1 more; short protein forms V420L, V428L, V299L, V324L, V455L, V419L, V444L, V384L.
Identifiers: ClinVar variation 1761761 (VCV001761761.4), dbSNP rs863223847, ClinGen allele CA351808872.

ClinVar aggregate classification (germline): Conflicting classifications of pathogenicity. Review status: criteria provided, conflicting classifications (1 of 4 stars). 2 submissions from 2 submitters: Likely pathogenic (1); Uncertain significance (1). Last evaluated 2024-08-01.

Conditions:
Familial thoracic aortic aneurysm and aortic dissection (TAAD). Also called: Thoracic aortic aneurysms and dissections. Identifiers: Orphanet 91387, MedGen C4707243, MONDO:0019625.

Submissions (2):

Labcorp Genetics (formerly Invitae), Labcorp
Classification: Uncertain significance for Familial thoracic aortic aneurysm and aortic dissection. Last evaluated: 2024-08-01. Review status: criteria provided, single submitter. Criteria: Invitae Variant Classification Sherloc (09022015). Collection method: clinical testing. Allele origin: germline.
Comment: This sequence change replaces valine, which is neutral and non-polar, with leucine, which is neutral and non-polar, at codon 419 of the TGFBR2 protein (p.Val419Leu). This variant is not present in population databases (gnomAD no frequency). This missense change has been observed in individual(s) with Loeys-Dietz syndrome (PMID: 28679693). ClinVar contains an entry for this variant (Variation ID: 1761761). An algorithm developed to predict the effect of missense changes on protein structure and function (PolyPhen-2) suggests that this variant is likely to be disruptive. Experimental studies have shown that this missense change affects TGFBR2 function (PMID: 28679693). In summary, the available evidence is currently insufficient to determine the role of this variant in disease. Therefore, it has been classified as a Variant of Uncertain Significance.

Ambry Genetics
Classification: Likely pathogenic for Familial thoracic aortic aneurysm and aortic dissection. Last evaluated: 2020-10-29. Review status: criteria provided, single submitter. Criteria: Ambry Variant Classification Scheme 2023. Collection method: clinical testing. Allele origin: germline.
Comment: The p.V419L variant (also known as c.1255G>C) is located in coding exon 5 of the TGFBR2 gene. The valine at codon 419 is replaced by leucine, an amino acid with highly similar properties. This change occurs in the first base pair of coding exon 5. This variant co-segregated with disease in one family tested in our laboratory (Ambry internal data). In the same study, in vitro assays indicated p.V419L causes deficient TGFBR2 protein function. A third variant in the same codon, p.V419E, has been reported in a LDS cohort, though clinical details were limited (Jani P et al. J Med Genet, 2020 Oct;57:699-707). This variant was not reported in population-based cohorts in the Genome Aggregation Database (gnomAD). This amino acid position is highly conserved in available vertebrate species. In addition, this alteration is predicted to be deleterious by in silico analysis. Based on the majority of available evidence to date, this variant is likely to be pathogenic.

Literature cited by the submitters: PubMed 28679693 (cited by Labcorp Genetics (formerly Invitae), Labcorp and Ambry Genetics).